The following is an entry in ClinVar:

ClinVar aggregate classification (germline): Uncertain significance. Review status: criteria provided, multiple submitters, no conflicts (2 of 4 stars). 2 submissions from 2 submitters: Uncertain significance (2). Last evaluated 2025-07-02.

Conditions:
Finnish congenital nephrotic syndrome (NPHS1). Also called: NEPHROTIC SYNDROME, TYPE 1. Identifiers: Orphanet 839, MedGen C0403399, MONDO:0009732, OMIM 256300.

gnomAD v4.1: 1 of 1,609,732 alleles (0.000062%); highest among the groups gnomAD compares: Admixed American, 0.0017%; no homozygotes.

Submissions (2):

3billion
Classification: Uncertain significance for Finnish congenital nephrotic syndrome. Last evaluated: 2025-07-02. Review status: criteria provided, single submitter. Criteria: ACMG Guidelines, 2015. Collection method: clinical testing. Allele origin: germline. Affected: yes.
Comment: The variant is observed at an extremely low frequency in the gnomAD v4.1.0 dataset (total allele frequency: <0.001%). Predicted Consequence/Location: Missense variant. The majority of the known disease-causing variants of this gene are variants expected to result in premature termination of the protein. In silico tool predictions suggest damaging effect of the variant on gene or gene product [REVEL: 0.70 (>=0.6, sensitivity 0.68 and specificity 0.92); 3Cnet: 0.85 (> 0.75, sensitivity 0.96 and precision 0.92)]. The same nucleotide change resulting in the same amino acid change has been previously reported to be associated with NPHS1-related disorder (PMID: 24742477). Therefore, this variant is classified as VUS according to the recommendation of ACMG/AMP guideline.

GeneDx
Classification: Uncertain significance. Last evaluated: 2024-10-11. Review status: criteria provided, single submitter. Criteria: GeneDx Variant Classification Process June 2021. Collection method: clinical testing. Allele origin: germline. Affected: yes.
Comment: Identified in trans with the p.Arg408Gln variant in a patient with steroid-resistant nephrotic syndrome, facial dysmorphia, Ebstein anomaly, ambiguous genitalia, and liver fibrosis in published literature; however, the p.Arg408Gln variant is classified as likely benign or benign in Clinvar (PMID: 24742477); Not observed at significant frequency in large population cohorts (gnomAD); In silico analysis supports that this missense variant has a deleterious effect on protein structure/function; This variant is associated with the following publications: (PMID: 24742477)

Literature cited by the submitters: PubMed 24742477 (cited by 3billion).

NM_004646.4(NPHS1):c.2173G>A (p.Glu725Lys)

Gene: NPHS1 (NPHS1 adhesion molecule, nephrin; minus strand). Cytogenetic location: 19q13.12.
Variant type: single nucleotide variant.
Coding change: c.2173G>A on transcript NM_004646.4 (MANE Select); coding-DNA position 2173, G replaced by A.
Protein change: p.Glu725Lys; replaces glutamic acid 725 with lysine.
Molecular consequence: missense variant.
Genome position (GRCh38, 1-based): chr19:35,844,142, C>T on the plus strand (G>A on the coding strand, the complement: NPHS1 is on the minus strand). VCF-style: chr19-35844142-C-T. GRCh37 (hg19) VCF-style: chr19-36335044-C-T.
Other names: short protein forms E725K.
Identifiers: ClinVar variation 3780974 (VCV003780974.2).